The following is an entry in ClinVar:

NM_194248.3(OTOF):c.452G>C (p.Gly151Ala)

Gene: OTOF (otoferlin; minus strand). Cytogenetic location: 2p23.3.
Variant type: single nucleotide variant.
Coding change: c.452G>C on transcript NM_194248.3 (MANE Select); coding-DNA position 452, G replaced by C.
Protein change: p.Gly151Ala; replaces glycine 151 with alanine.
Molecular consequence: missense variant.
Genome position (GRCh38, 1-based): chr2:26,516,475, C>G on the plus strand (G>C on the coding strand, the complement: OTOF is on the minus strand). VCF-style: chr2-26516475-C-G. GRCh37 (hg19) VCF-style: chr2-26739343-C-G.
Other names: c.452G>C, p.Gly151Ala (NM_001287489.2); short protein forms G151A.
Identifiers: ClinVar variation 3573756 (VCV003573756.1).

ClinVar aggregate classification (germline): Uncertain significance (1 of 4 stars; one submission).

gnomAD v4.1: 10 of 1,613,806 alleles (0.00062%); highest among the groups gnomAD compares: Non-Finnish European, 0.00085%; no homozygotes.

Submission:

GeneDx
Classification: Uncertain significance. Last evaluated: 2024-07-17. Review status: criteria provided, single submitter. Criteria: GeneDx Variant Classification Process June 2021. Collection method: clinical testing. Allele origin: germline. Affected: yes.
Comment: Not observed at significant frequency in large population cohorts (gnomAD); In silico analysis indicates that this missense variant does not alter protein structure/function; Has not been previously published as pathogenic or benign to our knowledge